The following is an entry in ClinVar:

NM_001122630.2(CDKN1C):c.29T>G (p.Phe10Cys)

Gene: CDKN1C (cyclin dependent kinase inhibitor 1C; minus strand). Cytogenetic location: 11p15.4.
Variant type: single nucleotide variant.
Coding change: c.29T>G on transcript NM_001122630.2 (MANE Select); coding-DNA position 29, T replaced by G.
Protein change: p.Phe10Cys; replaces phenylalanine 10 with cysteine.
Molecular consequence: missense variant.
Genome position (GRCh38, 1-based): chr11:2,885,428, A>C on the plus strand (T>G on the coding strand, the complement: CDKN1C is on the minus strand). VCF-style: chr11-2885428-A-C. GRCh37 (hg19) VCF-style: chr11-2906658-A-C.
Other names: c.29T>G, p.Phe10Cys (NM_001362475.2, NM_001122631.2); c.62T>G, p.Phe21Cys (NM_000076.2, NM_001362474.2); short protein forms F21C, F10C.
Identifiers: ClinVar variation 1346276 (VCV001346276.8), dbSNP rs2133786566, ClinGen allele CA379147899.
Genomic context (GRCh38, chr11:2,885,428, plus strand): 5'-TCCTCGTGGTCCACCGGCCCGAAGAGGCTGCGGCAGGCGCTGGTGCGCACTAGTACTGGG[A>C]AGGTCCCACGGGCGACAAGACGCTCCATCGTGGATGTGCTGCGGAGGGACGCGTCGGACA-3'
Protein context (NP_001116102.1, residues 1-20): MERLVARGT[Phe10Cys]PVLVRTSACR

ClinVar aggregate classification (germline): Uncertain significance (1 of 4 stars; one submission).

Conditions:
Beckwith-Wiedemann syndrome (BWS). Also called: Exomphalos macroglossia gigantism syndrome; EMG SYNDROME. Identifiers: Orphanet 116, MedGen C0004903, MONDO:0007534, OMIM 130650.

Submission:

Labcorp Genetics (formerly Invitae), Labcorp
Classification: Uncertain significance for Beckwith-Wiedemann syndrome. Last evaluated: 2020-11-11. Review status: criteria provided, single submitter. Criteria: Invitae Variant Classification Sherloc (09022015). Collection method: clinical testing. Allele origin: germline.
Comment: This sequence change replaces phenylalanine with cysteine at codon 21 of the CDKN1C protein (p.Phe21Cys). The phenylalanine residue is highly conserved and there is a large physicochemical difference between phenylalanine and cysteine. This variant is not present in population databases (ExAC no frequency). This variant has not been reported in the literature in individuals with CDKN1C-related conditions. Algorithms developed to predict the effect of missense changes on protein structure and function are either unavailable or do not agree on the potential impact of this missense change (SIFT: "Deleterious"; PolyPhen-2: "Possibly Damaging"; Align-GVGD: "Class C0"). In summary, the available evidence is currently insufficient to determine the role of this variant in disease. Therefore, it has been classified as a Variant of Uncertain Significance.